The following is an entry in ClinVar:

ClinVar aggregate classification (germline): Pathogenic (1 of 4 stars; one submission).

Conditions:
MHC class II deficiency. Also called: Bare lymphocyte syndrome 2; BLS, TYPE II. Identifiers: Orphanet 572, MedGen C5447452, MONDO:0008855.

Submission:

Labcorp Genetics (formerly Invitae), Labcorp
Classification: Pathogenic for MHC class II deficiency. Last evaluated: 2022-10-26. Review status: criteria provided, single submitter. Criteria: Invitae Variant Classification Sherloc (09022015). Collection method: clinical testing. Allele origin: unknown.
Comment: For these reasons, this variant has been classified as Pathogenic. This variant has not been reported in the literature in individuals affected with RFXAP-related conditions. A gross deletion of the genomic region encompassing the full coding sequence of the RFXAP gene has been identified. Loss-of-function variants in RFXAP are known to be pathogenic (PMID: 9118943, 22390233). The boundaries of this event are unknown as they extend beyond the assayed region for this gene and therefore may encompass additional genes.

Literature cited by the submitters: PubMed 9118943; PubMed 22390233.

NC_000013.10:g.(?_37393495)_(37583436_?)del

Genes: ALG5 (ALG5 dolichyl-phosphate beta-glucosyltransferase; minus strand), EXOSC8 (exosome component 8; plus strand), RFXAP (regulatory factor X associated protein; plus strand), SMAD9 (SMAD family member 9; minus strand). Cytogenetic location: 13q13.3.
Variant type: Deletion.
Identifiers: ClinVar variation 3244195 (VCV003244195.1).